The following is an entry in ClinVar:

NM_001267550.2(TTN):c.31083AGA[1] (p.Glu10362del)

Gene: TTN (titin; minus strand). Cytogenetic location: 2q31.2.
Variant type: Microsatellite.
Coding change: c.31083AGA[1] on transcript NM_001267550.2 (MANE Select); one copy of the 3-base unit AGA starting at c.31083; the reference has two copies in a row; one copy, 3 bases deleted.
Protein change: p.Glu10362del; deletes glutamic acid 10362.
Molecular consequence: inframe deletion. On other transcripts: intron variant (3).
Genome position (GRCh38, 1-based): chr2:178,695,984-178,695,986, TCT deleted on the plus strand (AGA on the coding strand, the reverse complement: TTN is on the minus strand); deleting any 3 consecutive bases within chr2:178,695,984-178,695,991 gives the same sequence; the position shown is the placement nearest the transcript's 3' end. VCF-style (leftmost placement, unchanged base first): chr2-178695983-ATCT-A. GRCh37 (hg19) VCF-style: chr2-179560710-ATCT-A.
Other names: c.30132AGA[1], p.Glu10045del (NM_001256850.1); c.27351AGA[1], p.Glu9118del (NM_133378.4); c.13282+42096_13282+42098del (NM_003319.4); c.13858+42096_13858+42098del (NM_133437.4); c.13657+42096_13657+42098del (NM_133432.3); c.27354_27356delAGA (NM_133378.4); short protein forms E10045del, E10362del, E9118del.
Identifiers: ClinVar variation 3233463 (VCV003233463.2), dbSNP rs974142124, ClinGen allele CA60992236.

ClinVar aggregate classification (germline): Uncertain significance (1 of 4 stars; one submission).

Submission:

Women's Health and Genetics/Laboratory Corporation of America, LabCorp
Classification: Uncertain significance. Last evaluated: 2024-03-13. Review status: criteria provided, single submitter. Criteria: LabCorp Variant Classification Summary - May 2015. Collection method: clinical testing. Allele origin: germline.
Comment: Variant summary: TTN c.27354_27356delAGA (p.Glu9118del) results in an in-frame deletion that is predicted to remove one amino acid from the encoded protein. The variant allele was found at a frequency of 1.3e-05 in 152244 control chromosomes (gnomAD). The available data on variant occurrences in the general population are insufficient to allow any conclusion about variant significance. To our knowledge, no occurrence of c.27354_27356delAGA in individuals affected with Dilated Cardiomyopathy and no experimental evidence demonstrating its impact on protein function have been reported. No submitters have cited clinical-significance assessments for this variant to ClinVar. Based on the evidence outlined above, the variant was classified as uncertain significance.